The following is an entry in ClinVar:

NM_001041.4(SI):c.5044A>C (p.Asn1682His)

Gene: SI (sucrase-isomaltase; minus strand). Cytogenetic location: 3q26.1.
Variant type: single nucleotide variant.
Coding change: c.5044A>C on transcript NM_001041.4 (MANE Select); coding-DNA position 5044, A replaced by C.
Protein change: p.Asn1682His; replaces asparagine 1682 with histidine.
Molecular consequence: missense variant.
Genome position (GRCh38, 1-based): chr3:164,991,417, T>G on the plus strand (A>C on the coding strand, the complement: SI is on the minus strand). VCF-style: chr3-164991417-T-G. GRCh37 (hg19) VCF-style: chr3-164709205-T-G.
Other names: short protein forms N1682H.
Identifiers: ClinVar variation 2009477 (VCV002009477.4), dbSNP rs748749874, ClinGen allele CA355028170.

ClinVar aggregate classification (germline): Uncertain significance (1 of 4 stars; one submission).

Submission:

Labcorp Genetics (formerly Invitae), Labcorp
Classification: Uncertain significance. Last evaluated: 2022-06-22. Review status: criteria provided, single submitter. Criteria: Invitae Variant Classification Sherloc (09022015). Collection method: clinical testing. Allele origin: germline.
Comment: In summary, the available evidence is currently insufficient to determine the role of this variant in disease. Therefore, it has been classified as a Variant of Uncertain Significance. Advanced modeling of protein sequence and biophysical properties (such as structural, functional, and spatial information, amino acid conservation, physicochemical variation, residue mobility, and thermodynamic stability) performed at Invitae indicates that this missense variant is expected to disrupt SI protein function. This variant has not been reported in the literature in individuals affected with SI-related conditions. This variant is not present in population databases (gnomAD no frequency). This sequence change replaces asparagine, which is neutral and polar, with histidine, which is basic and polar, at codon 1682 of the SI protein (p.Asn1682His).